The following is an entry in ClinVar:

ClinVar aggregate classification (germline): Benign/Likely benign. Review status: criteria provided, multiple submitters, no conflicts (2 of 4 stars). 6 submissions from 6 submitters: Benign (1); Likely benign (5). Last evaluated 2026-01-10.

Conditions:
Hereditary cancer-predisposing syndrome. Also called: Hereditary neoplastic syndrome; Tumor predisposition; Neoplastic Syndromes, Hereditary; Hereditary Cancer Syndrome. Identifiers: Orphanet 140162, MedGen C0027672, MeSH D009386, MONDO:0015356.
Tuberous sclerosis syndrome (TSC). Also called: Tuberous sclerosis; Tuberous Sclerosis Complex. Identifiers: Orphanet 805, MedGen C0041341, MONDO:0001734.
Tuberous sclerosis 2 (TSC2). Identifiers: Orphanet 805, MedGen C1860707, MONDO:0013199, OMIM 613254.

Allele frequency attached by ClinVar (database versions not stated): TOPMed 0.00006; ESP Exome Variant Server 0.00023.
gnomAD v4.1: 121 of 1,612,730 alleles (0.0075%); highest among the groups gnomAD compares: African/African-American, 0.012%; no homozygotes.

Submissions (6):

Labcorp Genetics (formerly Invitae), Labcorp
Classification: Likely benign for Tuberous sclerosis 2. Last evaluated: 2026-01-10. Review status: criteria provided, single submitter. Criteria: Invitae Variant Classification Sherloc (09022015). Collection method: clinical testing. Allele origin: germline.

Myriad Genetics, Inc.
Classification: Benign for Tuberous sclerosis 2. Last evaluated: 2025-05-29. Review status: criteria provided, single submitter. Criteria: Myriad Autosomal Dominant, Autosomal Recessive and X-Linked Classification Criteria (2023). Collection method: clinical testing. Allele origin: unknown.
Comment: This variant is considered benign. This variant is intronic and is not expected to impact mRNA splicing. This variant has been observed at a population frequency that is significantly greater than expected given the associated disease prevalence and penetrance.

ARUP Laboratories, Molecular Genetics and Genomics, ARUP Laboratories
Classification: Likely benign. Last evaluated: 2022-12-19. Review status: criteria provided, single submitter. Criteria: ARUP Molecular Germline Variant Investigation Process 2024. Collection method: clinical testing. Allele origin: germline.

Color Diagnostics, LLC DBA Color Health
Classification: Likely benign for Tuberous sclerosis syndrome. Last evaluated: 2022-11-23. Review status: criteria provided, single submitter. Criteria: ACMG Guidelines, 2015. Collection method: clinical testing. Allele origin: germline.

Sema4
Classification: Likely benign for Hereditary cancer-predisposing syndrome. Last evaluated: 2021-11-15. Review status: criteria provided, single submitter. Criteria: Sema4 Curation Guidelines. Collection method: curation. Allele origin: germline.

GeneDx
Classification: Likely benign. Last evaluated: 2018-02-07. Review status: criteria provided, single submitter. Criteria: GeneDx Variant Classification (06012015). Collection method: clinical testing. Allele origin: germline. Affected: yes.
Comment: This variant is considered likely benign or benign based on one or more of the following criteria: it is a conservative change, it occurs at a poorly conserved position in the protein, it is predicted to be benign by multiple in silico algorithms, and/or has population frequency not consistent with disease.

NM_000548.5(TSC2):c.3611-11C>T

Gene: TSC2 (TSC complex subunit 2; plus strand). Cytogenetic location: 16p13.3.
Variant type: single nucleotide variant.
Coding change: c.3611-11C>T on transcript NM_000548.5 (MANE Select); 11 bases into the intron before coding-DNA position 3611, C replaced by T.
Molecular consequence: intron variant.
Genome position (GRCh38, 1-based): chr16:2,081,584, C>T. VCF-style: chr16-2081584-C-T. GRCh37 (hg19) VCF-style: chr16-2131585-C-T.
Other names: c.3611-11C>T (NM_001114382.3); c.3482-11C>T (NM_021055.3, NM_001370405.1, NM_001363528.2); c.3479-11C>T (NM_001370404.1, NM_001077183.3); c.3371-11C>T (NM_001318827.2); c.2879-11C>T (NM_001318831.2); c.3335-11C>T (NM_001318829.2); c.3512-11C>T (NM_001318832.2).
Identifiers: ClinVar variation 381987 (VCV000381987.12), dbSNP rs375617364, ClinGen allele CA047744.